The following is an entry in ClinVar:

NM_004035.7(ACOX1):c.1704_1707del (p.Ser568fs)

Gene: ACOX1 (acyl-CoA oxidase 1; minus strand). Cytogenetic location: 17q25.1.
Variant type: Microsatellite.
Coding change: c.1704_1707del on transcript NM_004035.7 (MANE Select); coding-DNA positions 1704 to 1707, 4 bases deleted (TCAG; older notation c.1704_1707delTCAG).
Protein change: p.Ser568fs; shifts the reading frame from serine 568.
Molecular consequence: frameshift variant.
Genome position (GRCh38, 1-based): chr17:75,949,238-75,949,241, CTGA deleted on the plus strand (TCAG on the coding strand, the reverse complement: ACOX1 is on the minus strand); deleting any 4 consecutive bases within chr17:75,949,238-75,949,245 gives the same sequence; the c. name uses the placement nearest the transcript's 3' end. VCF-style (leftmost placement, unchanged base first): chr17-75949237-TCTGA-T. GRCh37 (hg19) VCF-style: chr17-73945318-TCTGA-T.
Other names: c.1590_1593del, p.Ser530fs (NM_001185039.2); c.1704_1707del, p.Ser568fs (NM_007292.6); c.1704_1707delTCAG (NM_004035.6); short protein forms S530fs, S568fs.
Identifiers: ClinVar variation 1459402 (VCV001459402.9), dbSNP rs1332660959, ClinGen allele CA627424063.

ClinVar aggregate classification (germline): Pathogenic/Likely pathogenic. Review status: criteria provided, multiple submitters, no conflicts (2 of 4 stars). 3 submissions from 3 submitters: Pathogenic (1); Likely pathogenic (2). Last evaluated 2024-11-18.

Conditions:
Acyl-CoA oxidase deficiency. Also called: STRAIGHT-CHAIN ACYL-CoA OXIDASE DEFICIENCY; Pseudoneonatal adrenoleukodystrophy; Peroxisomal acyl-CoA oxidase deficiency. Identifiers: Orphanet 2971, MedGen C1849678, MONDO:0009919, OMIM 264470. Disease mechanism: loss of function.
Mitchell syndrome. Identifiers: Orphanet 631248, MedGen C5394554, MONDO:0030073, OMIM 618960.

Submissions (3):

Natera, Inc.
Classification: Likely pathogenic for Peroxisomal acyl-CoA oxidase deficiency. Last evaluated: 2024-11-18. Review status: criteria provided, single submitter. Criteria: Natera Variant Classification Schema (03/2026). Collection method: clinical testing. Allele origin: germline.
Comment: The c.1704_1707delTCAG variant in ACOX1 is a frameshift variant predicted to shift the reading frame beginning at codon 568 and leads to a stop codon 12 codons downstream. This variant is expected to result in nonsense mediated decay, truncation, or a dysfunctional protein product. This variant is rare in the general population with a frequency below the threshold expected for the associated phenotype(s). Given the available evidence, this variant is classified as Likely Pathogenic.

Baylor Genetics
Classification: Likely pathogenic for Mitchell syndrome. Last evaluated: 2023-12-28. Review status: criteria provided, single submitter. Criteria: ACMG Guidelines, 2015. Collection method: clinical testing. Allele origin: unknown.

Labcorp Genetics (formerly Invitae), Labcorp
Classification: Pathogenic for Acyl-CoA oxidase deficiency. Last evaluated: 2021-07-28. Review status: criteria provided, single submitter. Criteria: Invitae Variant Classification Sherloc (09022015). Collection method: clinical testing. Allele origin: germline.
Comment: For these reasons, this variant has been classified as Pathogenic. This variant has not been reported in the literature in individuals affected with ACOX1-related conditions. This variant is not present in population databases (ExAC no frequency). This sequence change creates a premature translational stop signal (p.Ser568Argfs*12) in the ACOX1 gene. It is expected to result in an absent or disrupted protein product. Loss-of-function variants in ACOX1 are known to be pathogenic (PMID: 8040306, 17458872).

Literature cited by the submitters: PubMed 8040306 (cited by Labcorp Genetics (formerly Invitae), Labcorp); PubMed 17458872 (cited by Labcorp Genetics (formerly Invitae), Labcorp).